The following is an entry in ClinVar:

GRCh38/hg38 4q28.2(chr4:127949707-127984521)x0

Genes: MFSD8 (major facilitator superfamily domain containing 8; minus strand), ABHD18 (abhydrolase domain containing 18; plus strand), LOC129993056 (ATAC-STARR-seq lymphoblastoid silent region 15676; plus strand), LOC129993055 (ATAC-STARR-seq lymphoblastoid silent region 15675; plus strand), LOC129993057 (ATAC-STARR-seq lymphoblastoid silent region 15677; plus strand) and 1 more. Cytogenetic location: 4q28.2.
Variant type: copy number loss.
Change: copy number 0 (both copies lost) of chr4:127,949,707-127,984,521 (34.8 kb, GRCh38 coordinates, 1-based), cytogenetic band 4q28.2.
Identifiers: ClinVar variation 2579190 (VCV002579190.1).

ClinVar aggregate classification (germline): Pathogenic (1 of 4 stars; one submission).

Conditions:
Neuronal ceroid lipofuscinosis 7 (CLN7). Also called: MFSD8-Related Neuronal Ceroid-Lipofuscinosis. Identifiers: Orphanet 168491, Orphanet 228366, MedGen C1838571, MONDO:0012588, OMIM 610951.

Submission:

Broad Center for Mendelian Genomics, Broad Institute of MIT and Harvard
Classification: Pathogenic for Neuronal ceroid lipofuscinosis 7. Last evaluated: 2023-08-24. Review status: criteria provided, single submitter. Criteria: ACMG/ClinGen CNV Guidelines, 2019. Collection method: research. Allele origin: inherited. Inheritance: Autosomal recessive inheritance. Affected: yes.
Comment: These breakpoints have been estimated by exome sequencing only and therefore may not reflect the true breakpoints. The patient phenotype is nonspecific, but is consistent with cases described in the literature and/or published databases with overlapping variants. There is partial overlap with the 5’ end of the MFSD8 gene including coding sequence (NMD is expected to occur). This alteration is then predicted to lead to a truncated or absent protein. Loss of function of NGLY1 is an established disease mechanism in autosomal recessive congenital disorder of deglycosylation. In summary, this variant meets criteria to be classified as pathogenic for autosomal recessive neuronal ceroid lipofuscinosis. The ACMG/ClinGen evidence codes and points used in this curation are as follows: 1: 0 points, 2: 0.9 points, 3: 0 points, 4-5: 0.15 points; Total: 1.05 points; Riggs 2020 (PMID: 31690835).